The following is an entry in ClinVar:

ClinVar aggregate classification (germline): Uncertain significance. Review status: criteria provided, multiple submitters, no conflicts (2 of 4 stars). 2 submissions from 2 submitters: Uncertain significance (2). Last evaluated 2025-02-13.

Conditions:
Inborn genetic diseases. Identifiers: MedGen C0950123, MeSH D030342.

gnomAD v4.1: 12 of 1,612,978 alleles (0.00074%); highest among the groups gnomAD compares: African/African-American, 0.0067%; no homozygotes.

Submissions (2):

Ambry Genetics
Classification: Uncertain significance for Inborn genetic diseases. Last evaluated: 2025-02-13. Review status: criteria provided, single submitter. Criteria: Ambry Variant Classification Scheme 2023. Collection method: clinical testing. Allele origin: germline.

Labcorp Genetics (formerly Invitae), Labcorp
Classification: Uncertain significance. Last evaluated: 2024-11-21. Review status: criteria provided, single submitter. Criteria: Invitae Variant Classification Sherloc (09022015). Collection method: clinical testing. Allele origin: germline.
Comment: This sequence change replaces asparagine, which is neutral and polar, with threonine, which is neutral and polar, at codon 295 of the LAMC3 protein (p.Asn295Thr). This variant is present in population databases (no rsID available, gnomAD 0.01%). This variant has not been reported in the literature in individuals affected with LAMC3-related conditions. An algorithm developed to predict the effect of missense changes on protein structure and function (PolyPhen-2) suggests that this variant is likely to be disruptive. In summary, the available evidence is currently insufficient to determine the role of this variant in disease. Therefore, it has been classified as a Variant of Uncertain Significance.

NM_006059.4(LAMC3):c.884A>C (p.Asn295Thr)

Gene: LAMC3 (laminin subunit gamma 3; plus strand). Cytogenetic location: 9q34.12.
Variant type: single nucleotide variant.
Coding change: c.884A>C on transcript NM_006059.4 (MANE Select); coding-DNA position 884, A replaced by C.
Protein change: p.Asn295Thr; replaces asparagine 295 with threonine.
Molecular consequence: missense variant.
Genome position (GRCh38, 1-based): chr9:131,036,240, A>C. VCF-style: chr9-131036240-A-C. GRCh37 (hg19) VCF-style: chr9-133911627-A-C.
Other names: c.884A>C (NM_006059.3); short protein forms N295T.
Identifiers: ClinVar variation 3676673 (VCV003676673.3).
Genomic context (GRCh38, chr9:131,036,240, plus strand): 5'-GGCATGCCAGCGAGTGCGGCCCCGACGTGGCAGGCCAGTTGGCCTGCCGGTGCCAGCACA[A>C]CACCACCGGCACAGACTGTGAGCGCTGCCTGCCCTTCTTCCAGGACCGCCCGTGGGCCCG-3'
Protein context (NP_006050.3, residues 285-305): AGQLACRCQH[Asn295Thr]TTGTDCERCL